The following is an entry in ClinVar:

ClinVar aggregate classification (germline): Likely benign. Review status: criteria provided, multiple submitters, no conflicts (2 of 4 stars). 3 submissions from 3 submitters: Likely benign (3). Last evaluated 2026-02-03.

Allele frequency attached by ClinVar (database versions not stated): ExAC 0.00002; gnomAD 0.00002; gnomAD exomes 0.00003; TOPMed 0.00005; 1000 Genomes Project 30x 0.00016.
gnomAD v4.1: 32 of 1,609,586 alleles (0.002%); highest among the groups gnomAD compares: Non-Finnish European, 0.0025%; no homozygotes.

Submissions (3):

Labcorp Genetics (formerly Invitae), Labcorp
Classification: Likely benign. Last evaluated: 2026-02-03. Review status: criteria provided, single submitter. Criteria: Invitae Variant Classification Sherloc (09022015). Collection method: clinical testing. Allele origin: germline.

Blueprint Genetics
Classification: Likely benign. Last evaluated: 2024-08-08. Review status: criteria provided, single submitter. Criteria: ACMG Guidelines, 2015. Collection method: clinical testing. Allele origin: germline.

GeneDx
Classification: Likely benign. Last evaluated: 2016-02-29. Review status: criteria provided, single submitter. Criteria: GeneDx Variant Classification (06012015). Collection method: clinical testing. Allele origin: germline. Affected: yes.
Comment: This variant is considered likely benign or benign based on one or more of the following criteria: it is a conservative change, it occurs at a poorly conserved position in the protein, it is predicted to be benign by multiple in silico algorithms, and/or has population frequency not consistent with disease.

NM_006231.4(POLE):c.1474-14G>T

Gene: POLE (DNA polymerase epsilon, catalytic subunit; minus strand). Cytogenetic location: 12q24.33.
Variant type: single nucleotide variant.
Coding change: c.1474-14G>T on transcript NM_006231.4 (MANE Select); 14 bases into the intron before coding-DNA position 1474, G replaced by T.
Molecular consequence: intron variant.
Genome position (GRCh38, 1-based): chr12:132,672,853, C>A on the plus strand (G>T on the coding strand, the complement: POLE is on the minus strand). VCF-style: chr12-132672853-C-A. GRCh37 (hg19) VCF-style: chr12-133249439-C-A.
Identifiers: ClinVar variation 384362 (VCV000384362.10), dbSNP rs756438835, ClinGen allele CA6893935.